The following is an entry in ClinVar:

NM_001042681.2(RERE):c.4201A>G (p.Ile1401Val)

Gene: RERE (arginine-glutamic acid dipeptide repeats; minus strand). Cytogenetic location: 1p36.23.
Variant type: single nucleotide variant.
Coding change: c.4201A>G on transcript NM_001042681.2 (MANE Select); coding-DNA position 4201, A replaced by G.
Protein change: p.Ile1401Val; replaces isoleucine 1401 with valine.
Molecular consequence: missense variant.
Genome position (GRCh38, 1-based): chr1:8,358,334, T>C on the plus strand (A>G on the coding strand, the complement: RERE is on the minus strand). VCF-style: chr1-8358334-T-C. GRCh37 (hg19) VCF-style: chr1-8418394-T-C.
Other names: c.2539A>G, p.Ile847Val (NM_001042682.2); c.4201A>G, p.Ile1401Val (NM_012102.4); short protein forms I1401V, I847V.
Identifiers: ClinVar variation 2135204 (VCV002135204.4), dbSNP rs1025601039, ClinGen allele CA17690557.
Genomic context (GRCh38, chr1:8,358,334, plus strand): 5'-TGAACATCTGCAGTCGGGCCAGGGGATCGCTGGTCAGCGATGCCATGCGCTCTGCGTGGA[T>C]ACGCTCGGCTGCCAGTCTGTCAGGGTAGCTCATCTCGGGCCGCAGCTGGGGGCCCGCCAG-3'
Protein context (NP_001036146.1, residues 1391-1411): SYPDRLAAER[Ile1401Val]HAERMASLTS

ClinVar aggregate classification (germline): Uncertain significance (1 of 4 stars; one submission).

Allele frequency attached by ClinVar (database versions not stated): gnomAD exomes below 0.00001; gnomAD 0.00001; TOPMed 0.00002.
gnomAD v4.1: 3 of 1,612,824 alleles (0.00019%); highest among the groups gnomAD compares: African/African-American, 0.004%; no homozygotes.

Submission:

Labcorp Genetics (formerly Invitae), Labcorp
Classification: Uncertain significance. Last evaluated: 2022-05-07. Review status: criteria provided, single submitter. Criteria: Invitae Variant Classification Sherloc (09022015). Collection method: clinical testing. Allele origin: germline.
Comment: In summary, the available evidence is currently insufficient to determine the role of this variant in disease. Therefore, it has been classified as a Variant of Uncertain Significance. Advanced modeling of protein sequence and biophysical properties (such as structural, functional, and spatial information, amino acid conservation, physicochemical variation, residue mobility, and thermodynamic stability) performed at Invitae indicates that this missense variant is not expected to disrupt RERE protein function. This variant has not been reported in the literature in individuals affected with RERE-related conditions. This variant is not present in population databases (gnomAD no frequency). This sequence change replaces isoleucine, which is neutral and non-polar, with valine, which is neutral and non-polar, at codon 1401 of the RERE protein (p.Ile1401Val).